The following is an entry in ClinVar:

NM_033026.6(PCLO):c.12314_12315delinsGC (p.His4105Arg)

Gene: PCLO (piccolo presynaptic cytomatrix protein; minus strand). Cytogenetic location: 7q21.11.
Variant type: Indel.
Coding change: c.12314_12315delinsGC on transcript NM_033026.6 (MANE Select); coding-DNA positions 12314 to 12315, AT replaced by GC.
Protein change: p.His4105Arg; replaces histidine 4105 with arginine.
Molecular consequence: missense variant.
Genome position (GRCh38, 1-based): chr7:82,915,671-82,915,672, AT replaced by GC on the plus strand (AT replaced by GC on the coding strand, the reverse complement: PCLO is on the minus strand). VCF-style: chr7-82915671-AT-GC. GRCh37 (hg19) VCF-style: chr7-82544987-AT-GC.
Other names: c.12314_12315delinsGC, p.His4105Arg (NM_014510.3); short protein forms H4105R.
Identifiers: ClinVar variation 1448408 (VCV001448408.4), dbSNP rs2116266294, ClinGen allele CA2573142376.

ClinVar aggregate classification (germline): Uncertain significance (1 of 4 stars; one submission).

Submission:

Labcorp Genetics (formerly Invitae), Labcorp
Classification: Uncertain significance. Last evaluated: 2022-07-27. Review status: criteria provided, single submitter. Criteria: Invitae Variant Classification Sherloc (09022015). Collection method: clinical testing. Allele origin: germline.
Comment: This sequence change replaces histidine, which is basic and polar, with arginine, which is basic and polar, at codon 4105 of the PCLO protein (p.His4105Arg). This variant is present in population databases (no rsID available, gnomAD 0.2%). This variant has not been reported in the literature in individuals affected with PCLO-related conditions. ClinVar contains an entry for this variant (Variation ID: 1448408). Experimental studies and prediction algorithms are not available or were not evaluated, and the functional significance of this variant is currently unknown. In summary, the available evidence is currently insufficient to determine the role of this variant in disease. Therefore, it has been classified as a Variant of Uncertain Significance.